The following is an entry in ClinVar:

NM_006019.4(TCIRG1):c.2023A>G (p.Lys675Glu)

Gene: TCIRG1 (T cell immune regulator 1, ATPase H+ transporting V0 subunit a3; plus strand). Cytogenetic location: 11q13.2.
Variant type: single nucleotide variant.
Coding change: c.2023A>G on transcript NM_006019.4 (MANE Select); coding-DNA position 2023, A replaced by G.
Protein change: p.Lys675Glu; replaces lysine 675 with glutamic acid.
Molecular consequence: missense variant.
Genome position (GRCh38, 1-based): chr11:68,049,971, A>G. VCF-style: chr11-68049971-A-G. GRCh37 (hg19) VCF-style: chr11-67817438-A-G.
Other names: c.1129A>G, p.Lys377Glu (NM_001351059.2); c.2023A>G, p.Lys675Glu (NM_001440552.1, NM_001440553.1, NM_001440554.1 and 2 more transcripts); c.1981A>G, p.Lys661Glu (NM_001440555.1, NM_001440556.1, NM_001440563.1); c.1810A>G, p.Lys604Glu (NM_001440559.1, NM_001440560.1, NM_001440561.1 and 2 more transcripts); c.1768A>G, p.Lys590Glu (NM_001440564.1); c.1723A>G, p.Lys575Glu (NM_001440565.1); c.1561A>G, p.Lys521Glu (NM_001440567.1); c.1555A>G, p.Lys519Glu (NM_001440568.1); and 2 more; short protein forms K459E, K519E, K521E, K590E, K661E, K355E, K604E, K377E.
Identifiers: ClinVar variation 4738349 (VCV004738349.1).
Genomic context (GRCh38, chr11:68,049,971, plus strand): 5'-GGGGACCTCCTGGGGCTGGAGTGCTGCCAACACTGCCTGCTCATGCCCCAGGAGGAAAAC[A>G]AGGCCGGGTTGCTGGACCTGCCTGACGCATCTGTGAATGGCTGGAGCTCCGATGAGGAAA-3'
Protein context (NP_006010.2, residues 665-685): RRPADRQEEN[Lys675Glu]AGLLDLPDAS

ClinVar aggregate classification (germline): Uncertain significance (1 of 4 stars; one submission).

Submission:

Labcorp Genetics (formerly Invitae), Labcorp
Classification: Uncertain significance. Last evaluated: 2025-02-10. Review status: criteria provided, single submitter. Criteria: Invitae Variant Classification Sherloc (09022015). Collection method: clinical testing. Allele origin: germline.
Comment: This sequence change replaces lysine, which is basic and polar, with glutamic acid, which is acidic and polar, at codon 675 of the TCIRG1 protein (p.Lys675Glu). This variant is not present in population databases (gnomAD no frequency). This variant has not been reported in the literature in individuals affected with TCIRG1-related conditions. Invitae Evidence Modeling of protein sequence and biophysical properties (such as structural, functional, and spatial information, amino acid conservation, physicochemical variation, residue mobility, and thermodynamic stability) indicates that this missense variant is not expected to disrupt TCIRG1 protein function with a negative predictive value of 80%. In summary, the available evidence is currently insufficient to determine the role of this variant in disease. Therefore, it has been classified as a Variant of Uncertain Significance.